The following is an entry in ClinVar:

ClinVar aggregate classification (germline): Uncertain significance. Review status: criteria provided, multiple submitters, no conflicts (2 of 4 stars). 4 submissions from 4 submitters: Uncertain significance (4). Last evaluated 2025-02-26.

Conditions:
Sessile serrated polyposis cancer syndrome (SSPCS). Identifiers: Orphanet 157798, MedGen C4310714, MONDO:0014919, OMIM 617108.

Allele frequency attached by ClinVar (database versions not stated): gnomAD exomes 0.00001; TOPMed 0.00001; ExAC 0.00002.
gnomAD v4.1: 8 of 1,614,156 alleles (0.0005%); highest among the groups gnomAD compares: Non-Finnish European, 0.00068%; no homozygotes.

Submissions (4):

Ambry Genetics
Classification: Uncertain significance. Last evaluated: 2025-02-26. Review status: criteria provided, single submitter. Criteria: Ambry Variant Classification Scheme 2023. Collection method: clinical testing. Allele origin: germline.
Comment: The p.A169S variant (also known as c.505G>T), located in coding exon 4 of the RNF43 gene, results from a G to T substitution at nucleotide position 505. The alanine at codon 169 is replaced by serine, an amino acid with similar properties. This amino acid position is conserved. In addition, this alteration is predicted to be tolerated by in silico analysis. Based on the available evidence, the clinical significance of this variant remains unclear.

Labcorp Genetics (formerly Invitae), Labcorp
Classification: Uncertain significance. Last evaluated: 2024-10-09. Review status: criteria provided, single submitter. Criteria: Invitae Variant Classification Sherloc (09022015). Collection method: clinical testing. Allele origin: germline.
Comment: This sequence change replaces alanine, which is neutral and non-polar, with serine, which is neutral and polar, at codon 169 of the RNF43 protein (p.Ala169Ser). This variant is present in population databases (rs779337229, gnomAD 0.003%). This variant has not been reported in the literature in individuals affected with RNF43-related conditions. ClinVar contains an entry for this variant (Variation ID: 1014786). An algorithm developed to predict the effect of missense changes on protein structure and function (PolyPhen-2) suggests that this variant is likely to be disruptive. In summary, the available evidence is currently insufficient to determine the role of this variant in disease. Therefore, it has been classified as a Variant of Uncertain Significance.

Baylor Genetics
Classification: Uncertain significance for Sessile serrated polyposis cancer syndrome. Last evaluated: 2024-02-05. Review status: criteria provided, single submitter. Criteria: ACMG Guidelines, 2015. Collection method: clinical testing. Allele origin: unknown.

GeneDx
Classification: Uncertain significance. Last evaluated: 2024-01-19. Review status: criteria provided, single submitter. Criteria: GeneDx Variant Classification Process June 2021. Collection method: clinical testing. Allele origin: germline. Affected: yes.
Comment: Not observed at significant frequency in large population cohorts (gnomAD); In silico analysis supports that this missense variant has a deleterious effect on protein structure/function; Has not been previously published as pathogenic or benign to our knowledge; Variants in candidate genes are classified as variants of uncertain significance in accordance with ACMG guidelines (PMID: 25741868)

NM_017763.6(RNF43):c.505G>T (p.Ala169Ser)

Gene: RNF43 (ring finger protein 43; minus strand). Cytogenetic location: 17q22.
Variant type: single nucleotide variant.
Coding change: c.505G>T on transcript NM_017763.6 (MANE Select); coding-DNA position 505, G replaced by T.
Protein change: p.Ala169Ser; replaces alanine 169 with serine.
Molecular consequence: missense variant.
Genome position (GRCh38, 1-based): chr17:58,363,352, C>A on the plus strand (G>T on the coding strand, the complement: RNF43 is on the minus strand). VCF-style: chr17-58363352-C-A. GRCh37 (hg19) VCF-style: chr17-56440713-C-A.
Other names: c.505G>T, p.Ala169Ser (NM_001305544.3); c.124G>T, p.Ala42Ser (NM_001305545.2); short protein forms A169S, A42S.
Identifiers: ClinVar variation 1014786 (VCV001014786.12), dbSNP rs779337229, ClinGen allele CA8673397.